The following is an entry in ClinVar:

NM_000553.6(WRN):c.1549A>G (p.Asn517Asp)

Gene: WRN (WRN RecQ like helicase; plus strand). Cytogenetic location: 8p12.
Variant type: single nucleotide variant.
Coding change: c.1549A>G on transcript NM_000553.6 (MANE Select); coding-DNA position 1549, A replaced by G.
Protein change: p.Asn517Asp; replaces asparagine 517 with aspartic acid.
Molecular consequence: missense variant.
Genome position (GRCh38, 1-based): chr8:31,087,893, A>G. VCF-style: chr8-31087893-A-G. GRCh37 (hg19) VCF-style: chr8-30945409-A-G.
Other names: short protein forms N517D.
Identifiers: ClinVar variation 1444135 (VCV001444135.6), dbSNP rs2130157212, ClinGen allele CA370924828.
Genomic context (GRCh38, chr8:31,087,893, plus strand): 5'-ATGGAAAGAAATCTGGGTCTTCCTACTAAAGAAGAAGAAGAAGATGATGAAAATGAAGCT[A>G]ATGAAGGGGAAGAAGATGATGATAAGGGTAAGCACTGAAGTATGTTTGAAATGACTCACC-3'
Protein context (NP_000544.2, residues 507-527): EEEEDDENEA[Asn517Asp]EGEEDDDKDF

ClinVar aggregate classification (germline): Uncertain significance (1 of 4 stars; one submission).

Conditions:
Werner syndrome (WRN). Identifiers: Orphanet 902, MedGen C0043119, MONDO:0010196, OMIM 277700.

Allele frequency attached by ClinVar (database versions not stated): gnomAD exomes below 0.00001.
gnomAD v4.1: 2 of 1,613,516 alleles (0.00012%); highest among the groups gnomAD compares: Non-Finnish European, 0.00017%; no homozygotes.

Submission:

Labcorp Genetics (formerly Invitae), Labcorp
Classification: Uncertain significance for Werner syndrome. Last evaluated: 2022-12-14. Review status: criteria provided, single submitter. Criteria: Invitae Variant Classification Sherloc (09022015). Collection method: clinical testing. Allele origin: germline.
Comment: This sequence change replaces asparagine, which is neutral and polar, with aspartic acid, which is acidic and polar, at codon 517 of the WRN protein (p.Asn517Asp). This variant is not present in population databases (gnomAD no frequency). This variant has not been reported in the literature in individuals affected with WRN-related conditions. ClinVar contains an entry for this variant (Variation ID: 1444135). Algorithms developed to predict the effect of missense changes on protein structure and function are either unavailable or do not agree on the potential impact of this missense change (SIFT: "Not Available"; PolyPhen-2: "Benign"; Align-GVGD: "Not Available"). In summary, the available evidence is currently insufficient to determine the role of this variant in disease. Therefore, it has been classified as a Variant of Uncertain Significance.